The following is an entry in ClinVar:

NM_000883.4(IMPDH1):c.598A>G (p.Ile200Val)

Gene: IMPDH1 (inosine monophosphate dehydrogenase 1; minus strand). Cytogenetic location: 7q32.1.
Variant type: single nucleotide variant.
Coding change: c.598A>G on transcript NM_000883.4 (MANE Select); coding-DNA position 598, A replaced by G.
Protein change: p.Ile200Val; replaces isoleucine 200 with valine.
Molecular consequence: missense variant.
Genome position (GRCh38, 1-based): chr7:128,400,521, T>C on the plus strand (A>G on the coding strand, the complement: IMPDH1 is on the minus strand). VCF-style: chr7-128400521-T-C. GRCh37 (hg19) VCF-style: chr7-128040575-T-C.
Other names: c.568A>G, p.Ile190Val (NM_001102605.2); c.343A>G, p.Ile115Val (NM_001142573.2); c.328A>G, p.Ile110Val (NM_001142574.2); c.268A>G, p.Ile90Val (NM_001142575.2); c.499A>G, p.Ile167Val (NM_001142576.2); c.391A>G, p.Ile131Val (NM_001304521.2); c.490A>G, p.Ile164Val (NM_183243.3); short protein forms I167V, I115V, I200V, I110V, I131V, I164V, I190V, I90V.
Identifiers: ClinVar variation 866524 (VCV000866524.4), dbSNP rs1798254254, ClinGen allele CA369173936.

ClinVar aggregate classification (germline): Uncertain significance. Review status: criteria provided, multiple submitters, no conflicts (2 of 4 stars). 2 submissions from 2 submitters: Uncertain significance (2). Last evaluated 2024-09-15.

Allele frequency attached by ClinVar (database versions not stated): gnomAD exomes below 0.00001; gnomAD 0.00001.
gnomAD v4.1: 2 of 1,612,710 alleles (0.00012%); highest among the groups gnomAD compares: African/African-American, 0.0013%; no homozygotes.

Submissions (2):

Labcorp Genetics (formerly Invitae), Labcorp
Classification: Uncertain significance. Last evaluated: 2024-09-15. Review status: criteria provided, single submitter. Criteria: Invitae Variant Classification Sherloc (09022015). Collection method: clinical testing. Allele origin: germline.
Comment: This sequence change replaces isoleucine, which is neutral and non-polar, with valine, which is neutral and non-polar, at codon 200 of the IMPDH1 protein (p.Ile200Val). This variant is not present in population databases (gnomAD no frequency). This variant has not been reported in the literature in individuals affected with IMPDH1-related conditions. ClinVar contains an entry for this variant (Variation ID: 866524). An algorithm developed to predict the effect of missense changes on protein structure and function (PolyPhen-2) suggests that this variant is likely to be disruptive. In summary, the available evidence is currently insufficient to determine the role of this variant in disease. Therefore, it has been classified as a Variant of Uncertain Significance.

Blueprint Genetics
Classification: Uncertain significance. Last evaluated: 2021-10-20. Review status: criteria provided, single submitter. Criteria: ACMG Guidelines, 2015. Collection method: clinical testing. Allele origin: germline.